The following is an entry in ClinVar:

ClinVar aggregate classification (germline): Uncertain significance (1 of 4 stars; one submission).

Conditions:
Immunodeficiency 14 (IMD14A). Also called: ACTIVATED PI3K-DELTA SYNDROME 1; Activated PI3K Delta Syndrome Type 1 (APDS1); p110-DELTA-ACTIVATING MUTATION CAUSING SENESCENT T CELLS, LYMPHADENOPATHY, AND IMMUNODEFICIENCY; IMMUNODEFICIENCY 14A WITH LYMPHOPROLIFERATION, AUTOSOMAL DOMINANT. Identifiers: Orphanet 397596, Orphanet 693661, MedGen C5907821, MONDO:0014222, OMIM 615513.

Allele frequency attached by ClinVar (database versions not stated): ExAC 0.00001; gnomAD exomes 0.00001 and 0.00003; TOPMed 0.00002; gnomAD 0.00004.

Submission:

Labcorp Genetics (formerly Invitae), Labcorp
Classification: Uncertain significance for Activated PI3K-delta syndrome. Last evaluated: 2025-08-17. Review status: criteria provided, single submitter. Criteria: Invitae Variant Classification Sherloc (09022015). Collection method: clinical testing. Allele origin: germline.
Comment: This sequence change replaces valine, which is neutral and non-polar, with methionine, which is neutral and non-polar, at codon 657 of the PIK3CD protein (p.Val657Met). This variant is present in population databases (rs756589761, gnomAD 0.006%). This variant has not been reported in the literature in individuals affected with PIK3CD-related conditions. ClinVar contains an entry for this variant (Variation ID: 1392141). Invitae Evidence Modeling of protein sequence and biophysical properties (such as structural, functional, and spatial information, amino acid conservation, physicochemical variation, residue mobility, and thermodynamic stability) indicates that this missense variant is not expected to disrupt PIK3CD protein function with a negative predictive value of 80%. In summary, the available evidence is currently insufficient to determine the role of this variant in disease. Therefore, it has been classified as a Variant of Uncertain Significance.

NM_005026.5(PIK3CD):c.1969G>A (p.Val657Met)

Gene: PIK3CD (phosphatidylinositol-4,5-bisphosphate 3-kinase catalytic subunit delta; plus strand). Cytogenetic location: 1p36.22.
Variant type: single nucleotide variant.
Coding change: c.1969G>A on transcript NM_005026.5 (MANE Select); coding-DNA position 1969, G replaced by A.
Protein change: p.Val657Met; replaces valine 657 with methionine.
Molecular consequence: missense variant.
Genome position (GRCh38, 1-based): chr1:9,721,774, G>A. VCF-style: chr1-9721774-G-A. GRCh37 (hg19) VCF-style: chr1-9781832-G-A.
Other names: c.1966G>A, p.Val656Met (NM_001350234.2); c.1882G>A, p.Val628Met (NM_001350235.1); short protein forms V628M, V656M, V657M.
Identifiers: ClinVar variation 1392141 (VCV001392141.8), dbSNP rs756589761, ClinGen allele CA577394.